The following is an entry in ClinVar:

NM_001110556.2(FLNA):c.1749C>T (p.Gly583=)

Gene: FLNA (filamin A; minus strand). Cytogenetic location: Xq28.
Variant type: single nucleotide variant.
Coding change: c.1749C>T on transcript NM_001110556.2 (MANE Select); coding-DNA position 1749, C replaced by T.
Protein change: p.Gly583=; no amino-acid change (glycine 583 retained).
Molecular consequence: synonymous variant.
Genome position (GRCh38, 1-based): chrX:154,364,900, G>A on the plus strand (C>T on the coding strand, the complement: FLNA is on the minus strand). VCF-style: chrX-154364900-G-A. GRCh37 (hg19) VCF-style: chrX-153593268-G-A.
Other names: c.1749C>T, p.Gly583= (NM_001456.4); c.1749C>T (NM_001110556.1).
Identifiers: ClinVar variation 698399 (VCV000698399.14), dbSNP rs782155641, ClinGen allele CA10561090.
Genomic context (GRCh38, chrX:154,364,900, plus strand): 5'-CCCGATAGCCTCCACCACAAAGTCTGCTGACTTGCCAACGACGCCGCCCTCCAGCCCAGG[G>A]CCCCAGGCCCGTACCTTCTGATTGCCACACTCGGTGCCCACCTTCACTTCGAAGGGACTG-3'
Protein context (NP_001104026.1, residues 573-593): ECGNQKVRAW[Gly583=]PGLEGGVVGK

ClinVar aggregate classification (germline): Benign/Likely benign. Review status: criteria provided, multiple submitters, no conflicts (2 of 4 stars). 4 submissions from 4 submitters: Benign (1); Likely benign (3). Last evaluated 2025-10-07.

Conditions:
FLNA-related disorder.
Oto-palato-digital syndrome, type II (OPD2). Also called: FACIOPALATOOSSEOUS SYNDROME; Otopalatodigital Syndrome Type 2 (FLNA-OPD2); Otopalatodigital Syndrome, Type II; OPD II SYNDROME. Identifiers: Orphanet 669, Orphanet 90652, MedGen C1844696, MONDO:0010571, OMIM 304120.
Melnick-Needles syndrome (MNS). Also called: Melnick-Needles Syndrome (FLNA-MNS); MELNICK-NEEDLES OSTEODYSPLASTY; OSTEODYSPLASTY OF MELNICK AND NEEDLES. Identifiers: Orphanet 2484, MedGen C0025237, MONDO:0010650, OMIM 309350.
Frontometaphyseal dysplasia (FMD1). Identifiers: Orphanet 1826, MedGen C0265293, MONDO:0015942.
Heterotopia, periventricular, X-linked dominant (PVNH1). Also called: PERIVENTRICULAR NODULAR HETEROTOPIA 4; HETEROTOPIA, PERIVENTRICULAR, 1; X-linked periventricular heterotopia; PERIVENTRICULAR NODULAR HETEROTOPIA 1. Identifiers: Orphanet 2149, Orphanet 82004, MedGen C1848213, MONDO:0010233, OMIM 300049.
Familial thoracic aortic aneurysm and aortic dissection (TAAD). Also called: Thoracic aortic aneurysms and dissections. Identifiers: Orphanet 91387, MedGen C4707243, MONDO:0019625.

Allele frequency attached by ClinVar (database versions not stated): gnomAD 0.00004 and 0.00005; TOPMed 0.00006; gnomAD exomes 0.00007 and 0.00015; ExAC 0.00009; 1000 Genomes Project 30x 0.00021.
gnomAD v4.1: 165 of 1,210,019 alleles (0.014%); highest among the groups gnomAD compares: East Asian, 0.49%; no homozygotes.

Submissions (4):

Labcorp Genetics (formerly Invitae), Labcorp
Classification: Benign for Oto-palato-digital syndrome, type II; Heterotopia, periventricular, X-linked dominant; Frontometaphyseal dysplasia; Melnick-Needles syndrome. Last evaluated: 2025-10-07. Review status: criteria provided, single submitter. Criteria: Invitae Variant Classification Sherloc (09022015). Collection method: clinical testing. Allele origin: germline.

PreventionGenetics, part of Exact Sciences
Classification: Likely benign for FLNA-related condition. Last evaluated: 2024-10-07. Review status: criteria provided, single submitter. Criteria: ACMG Guidelines, 2015. Collection method: clinical testing. Allele origin: germline.
Comment: This variant is classified as likely benign based on ACMG/AMP sequence variant interpretation guidelines (Richards et al. 2015 PMID: 25741868, with internal and published modifications).

Blueprint Genetics
Classification: Likely benign. Last evaluated: 2023-05-03. Review status: criteria provided, single submitter. Criteria: ACMG Guidelines, 2015. Collection method: clinical testing. Allele origin: germline.

Ambry Genetics
Classification: Likely benign for Familial thoracic aortic aneurysm and aortic dissection. Last evaluated: 2019-01-08. Review status: criteria provided, single submitter. Criteria: Ambry Variant Classification Scheme 2023. Collection method: clinical testing. Allele origin: germline.